The following is an entry in ClinVar:

ClinVar aggregate classification (germline): Benign (0 of 4 stars; one submission).

Conditions:
KCNJ12-related disorder. Also called: KCNJ12-related condition.

Submission:

PreventionGenetics, part of Exact Sciences
Classification: Benign for KCNJ12-related condition. Last evaluated: 2019-10-17. Review status: no assertion criteria provided. Collection method: clinical testing. Allele origin: germline.
Comment: This variant is classified as benign based on ACMG/AMP sequence variant interpretation guidelines (Richards et al. 2015 PMID: 25741868, with internal and published modifications).

NM_021012.5(KCNJ12):c.128G>A (p.Arg43His)

Gene: KCNJ12 (potassium inwardly rectifying channel subfamily J member 12; plus strand). Cytogenetic location: 17p11.2.
Variant type: single nucleotide variant.
Coding change: c.128G>A on transcript NM_021012.5 (MANE Select); coding-DNA position 128, G replaced by A.
Protein change: p.Arg43His; replaces arginine 43 with histidine.
Molecular consequence: missense variant.
Genome position (GRCh38, 1-based): chr17:21,415,470, G>A. VCF-style: chr17-21415470-G-A. GRCh37 (hg19) VCF-style: chr17-21318782-G-A.
Other names: short protein forms R43H.
Identifiers: ClinVar variation 3060108 (VCV003060108.2), dbSNP rs78117732, ClinGen allele CA8451009.
Genomic context (GRCh38, chr17:21,415,470, plus strand): 5'-TCACCATGTCGGGCGCCAACGGCTTCGGCAACGGCAAGGTGCACACGCGGCGCAGGTGCC[G>A]CAACCGCTTCGTCAAGAAGAATGGCCAGTGCAACATTGAGTTCGCCAACATGGACGAGAA-3'
Protein context (NP_066292.2, residues 33-53): NGKVHTRRRC[Arg43His]NRFVKKNGQC